The following is an entry in ClinVar:

NM_000049.4(ASPA):c.502C>A (p.Arg168Ser)

Genes: ASPA (aspartoacylase; plus strand), SPATA22 (spermatogenesis associated 22; minus strand). Cytogenetic location: 17p13.2.
Variant type: single nucleotide variant.
Coding change: c.502C>A on transcript NM_000049.4 (MANE Select); coding-DNA position 502, C replaced by A.
Protein change: p.Arg168Ser; replaces arginine 168 with serine.
Molecular consequence: missense variant. On other transcripts: intron variant (2).
Genome position (GRCh38, 1-based): chr17:3,483,568, C>A. VCF-style: chr17-3483568-C-A. GRCh37 (hg19) VCF-style: chr17-3386862-C-A.
Other names: c.502C>A, p.Arg168Ser (NM_001128085.1); c.-73-14170G>T (NM_001321336.2, NM_001321337.2); short protein forms R168S.
Identifiers: ClinVar variation 3668944 (VCV003668944.2).

ClinVar aggregate classification (germline): Uncertain significance (1 of 4 stars; one submission).

Conditions:
Spongy degeneration of central nervous system. Also called: ACY2 DEFICIENCY; AMINOACYLASE 2 DEFICIENCY; ASP DEFICIENCY; ASPA DEFICIENCY; ASPARTOACYLASE DEFICIENCY; CANAVAN-VAN BOGAERT-BERTRAND DISEASE. Identifiers: Orphanet 141, MedGen C0206307, MONDO:0010079, OMIM 271900.

Submission:

Labcorp Genetics (formerly Invitae), Labcorp
Classification: Uncertain significance for Spongy degeneration of central nervous system. Last evaluated: 2024-04-06. Review status: criteria provided, single submitter. Criteria: Invitae Variant Classification Sherloc (09022015). Collection method: clinical testing. Allele origin: germline.
Comment: This sequence change replaces arginine, which is basic and polar, with serine, which is neutral and polar, at codon 168 of the ASPA protein (p.Arg168Ser). This variant is not present in population databases (gnomAD no frequency). This variant has not been reported in the literature in individuals affected with ASPA-related conditions. Advanced modeling of protein sequence and biophysical properties (such as structural, functional, and spatial information, amino acid conservation, physicochemical variation, residue mobility, and thermodynamic stability) has been performed at Invitae for this missense variant, however the output from this modeling did not meet the statistical confidence thresholds required to predict the impact of this variant on ASPA protein function. This variant disrupts the p.Arg168 amino acid residue in ASPA. Other variant(s) that disrupt this residue have been determined to be pathogenic (PMID: 10909858, 21520333, 22750302, 28101991). This suggests that this residue is clinically significant, and that variants that disrupt this residue are likely to be disease-causing. In summary, the available evidence is currently insufficient to determine the role of this variant in disease. Therefore, it has been classified as a Variant of Uncertain Significance.

Literature cited by the submitters: PubMed 10909858; PubMed 21520333; PubMed 22750302; PubMed 28101991.